The following is an entry in ClinVar:

ClinVar aggregate classification (germline): Uncertain significance (1 of 4 stars; one submission).

gnomAD v4.1: 6 of 1,164,666 alleles (0.00052%); highest among the groups gnomAD compares: African/African-American, 0.0047%; no homozygotes.

Submission:

Labcorp Genetics (formerly Invitae), Labcorp
Classification: Uncertain significance. Last evaluated: 2025-01-07. Review status: criteria provided, single submitter. Criteria: Invitae Variant Classification Sherloc (09022015). Collection method: clinical testing. Allele origin: germline.
Comment: This variant occurs in a non-coding region of the ANKRD26 gene. It does not change the encoded amino acid sequence of the ANKRD26 protein. This variant is present in population databases (no rsID available, gnomAD 0.06%). This variant has not been reported in the literature in individuals affected with ANKRD26-related conditions. In summary, the available evidence is currently insufficient to determine the role of this variant in disease. Therefore, it has been classified as a Variant of Uncertain Significance.

NM_014915.3(ANKRD26):c.-154C>A

Gene: ANKRD26 (ankyrin repeat domain 26; minus strand). Cytogenetic location: 10p12.1.
Variant type: single nucleotide variant.
Coding change: c.-154C>A on transcript NM_014915.3 (MANE Select); 154 bases upstream of the start codon, C replaced by A.
Molecular consequence: 5 prime UTR variant.
Genome position (GRCh38, 1-based): chr10:27,100,480, G>T on the plus strand (C>A on the coding strand, the complement: ANKRD26 is on the minus strand). VCF-style: chr10-27100480-G-T. GRCh37 (hg19) VCF-style: chr10-27389409-G-T.
Other names: c.-154C>A (NM_001256053.2).
Identifiers: ClinVar variation 3673568 (VCV003673568.2).